The following is an entry in ClinVar:

NM_001395413.1(POR):c.5G>C (p.Gly2Ala)

Gene: POR (cytochrome p450 oxidoreductase; plus strand). Cytogenetic location: 7q11.23.
Variant type: single nucleotide variant.
Coding change: c.5G>C on transcript NM_001395413.1 (MANE Select); coding-DNA position 5, G replaced by C.
Protein change: p.Gly2Ala; replaces glycine 2 with alanine.
Molecular consequence: missense variant.
Genome position (GRCh38, 1-based): chr7:75,954,006, G>C. VCF-style: chr7-75954006-G-C. GRCh37 (hg19) VCF-style: chr7-75583324-G-C.
Other names: c.14G>C, p.Gly5Ala (NM_000941.2, NM_000941.3); c.5G>C, p.Gly2Ala (NM_001367562.3, NM_001382655.3, NM_001382657.2 and 3 more transcripts); short protein forms G2A, G5A.
Identifiers: ClinVar variation 2038685 (VCV002038685.4), dbSNP rs782818618, ClinGen allele CA4303428.

ClinVar aggregate classification (germline): Uncertain significance (1 of 4 stars; one submission).

Conditions:
Congenital adrenal hyperplasia due to cytochrome P450 oxidoreductase deficiency. Also called: DISORDERED STEROIDOGENESIS DUE TO POR DEFICIENCY. Identifiers: Orphanet 95699, MedGen C1860042, MONDO:0013310, OMIM 613571.

Allele frequency attached by ClinVar (database versions not stated): gnomAD exomes below 0.00001; gnomAD 0.00003; TOPMed 0.00003; ExAC 0.00005.
gnomAD v4.1: 10 of 1,597,992 alleles (0.00063%); highest among the groups gnomAD compares: African/African-American, 0.013%; no homozygotes.

Submission:

Labcorp Genetics (formerly Invitae), Labcorp
Classification: Uncertain significance for Congenital adrenal hyperplasia due to cytochrome P450 oxidoreductase deficiency. Last evaluated: 2023-08-30. Review status: criteria provided, single submitter. Criteria: Invitae Variant Classification Sherloc (09022015). Collection method: clinical testing. Allele origin: germline.
Comment: This sequence change replaces glycine, which is neutral and non-polar, with alanine, which is neutral and non-polar, at codon 5 of the POR protein (p.Gly5Ala). In summary, the available evidence is currently insufficient to determine the role of this variant in disease. Therefore, it has been classified as a Variant of Uncertain Significance. Algorithms developed to predict the effect of missense changes on protein structure and function output the following: SIFT: "Not Available"; PolyPhen-2: "Benign"; Align-GVGD: "Not Available". The alanine amino acid residue is found in multiple mammalian species, which suggests that this missense change does not adversely affect protein function. ClinVar contains an entry for this variant (Variation ID: 2038685). This variant has not been reported in the literature in individuals affected with POR-related conditions. This variant is present in population databases (rs782818618, gnomAD 0.02%).